The following is an entry in ClinVar:

ClinVar aggregate classification (germline): Likely benign (1 of 4 stars; one submission).

Allele frequency attached by ClinVar (database versions not stated): gnomAD 0.00004; ExAC 0.00010.
gnomAD v4.1: 59 of 1,586,288 alleles (0.0037%); highest among the groups gnomAD compares: South Asian, 0.063%; 1 homozygote.

Submission:

CeGaT Center for Human Genetics Tuebingen
Classification: Likely benign. Last evaluated: 2022-10-01. Review status: criteria provided, single submitter. Criteria: CeGaT Center For Human Genetics Tuebingen Variant Classification Criteria Version 2. Collection method: clinical testing. Allele origin: germline. Affected: yes. Observed: 1 variant allele.
Comment: KMT2C: BP4, BP7

NM_170606.3(KMT2C):c.4575A>G (p.Thr1525=)

Gene: KMT2C (lysine methyltransferase 2C; minus strand). Cytogenetic location: 7q36.1.
Variant type: single nucleotide variant.
Coding change: c.4575A>G on transcript NM_170606.3 (MANE Select); coding-DNA position 4575, A replaced by G.
Protein change: p.Thr1525=; no amino-acid change (threonine 1525 retained).
Molecular consequence: synonymous variant.
Genome position (GRCh38, 1-based): chr7:152,194,094, T>C on the plus strand (A>G on the coding strand, the complement: KMT2C is on the minus strand). VCF-style: chr7-152194094-T-C. GRCh37 (hg19) VCF-style: chr7-151891179-T-C.
Identifiers: ClinVar variation 2658225 (VCV002658225.24), dbSNP rs768649580, ClinGen allele CA4580483.